The following is an entry in ClinVar:

ClinVar aggregate classification (germline): Uncertain significance (1 of 4 stars; one submission).

Conditions:
Tuberous sclerosis 2 (TSC2). Identifiers: Orphanet 805, MedGen C1860707, MONDO:0013199, OMIM 613254.

Submission:

Labcorp Genetics (formerly Invitae), Labcorp
Classification: Uncertain significance for Tuberous sclerosis 2. Last evaluated: 2024-09-01. Review status: criteria provided, single submitter. Criteria: Invitae Variant Classification Sherloc (09022015). Collection method: clinical testing. Allele origin: germline.
Comment: This sequence change replaces aspartic acid, which is acidic and polar, with valine, which is neutral and non-polar, at codon 87 of the TSC2 protein (p.Asp87Val). This variant is not present in population databases (gnomAD no frequency). This variant has not been reported in the literature in individuals affected with TSC2-related conditions. Invitae Evidence Modeling of protein sequence and biophysical properties (such as structural, functional, and spatial information, amino acid conservation, physicochemical variation, residue mobility, and thermodynamic stability) has been performed for this missense variant. However, the output from this modeling did not meet the statistical confidence thresholds required to predict the impact of this variant on TSC2 protein function. In summary, the available evidence is currently insufficient to determine the role of this variant in disease. Therefore, it has been classified as a Variant of Uncertain Significance.

NM_000548.5(TSC2):c.260A>T (p.Asp87Val)

Gene: TSC2 (TSC complex subunit 2; plus strand). Cytogenetic location: 16p13.3.
Variant type: single nucleotide variant.
Coding change: c.260A>T on transcript NM_000548.5 (MANE Select); coding-DNA position 260, A replaced by T.
Protein change: p.Asp87Val; replaces aspartic acid 87 with valine.
Molecular consequence: missense variant. On other transcripts: non-coding transcript variant (5), intron variant (9), 5 prime UTR variant (14).
Genome position (GRCh38, 1-based): chr16:2,053,376, A>T. VCF-style: chr16-2053376-A-T. GRCh37 (hg19) VCF-style: chr16-2103377-A-T.
Other names: c.226-920A>T (NM_001406670.1, NM_001318827.2, NM_001406678.1); c.-1-2820A>T (NM_001406682.1, NM_001406684.1, NM_001406685.1 and 3 more transcripts); c.-1160A>T (NM_001406696.1); c.-1172A>T (NM_001406697.1, NM_001406689.1, NM_001406690.1 and 2 more transcripts); c.-1348A>T (NM_001406698.1); c.260A>T, p.Asp87Val (NM_021055.3, NM_001077183.3, NM_001114382.3 and 10 more transcripts); c.113A>T, p.Asp38Val (NM_001318829.2, NM_001406675.1, NM_001406676.1 and 2 more transcripts); c.293A>T, p.Asp98Val (NM_001318832.2); and 4 more; short protein forms D87V, D98V, D38V.
Identifiers: ClinVar variation 3637171 (VCV003637171.2).